The following is an entry in ClinVar:

NM_001134407.3(GRIN2A):c.*5996C>T

Gene: GRIN2A (glutamate ionotropic receptor NMDA type subunit 2A; minus strand). Cytogenetic location: 16p13.2.
Variant type: single nucleotide variant.
Coding change: c.*5996C>T on transcript NM_001134407.3 (MANE Select); 5996 bases downstream of the stop codon, C replaced by T.
Molecular consequence: 3 prime UTR variant.
Genome position (GRCh38, 1-based): chr16:9,757,153, G>A on the plus strand (C>T on the coding strand, the complement: GRIN2A is on the minus strand). VCF-style: chr16-9757153-G-A. GRCh37 (hg19) VCF-style: chr16-9851010-G-A.
Other names: c.*5996C>T (NM_000833.5); c.*6202C>T (NM_001134408.2).
Identifiers: ClinVar variation 321517 (VCV000321517.5), dbSNP rs548588993, ClinGen allele CA10648464.
Genomic context (GRCh38, chr16:9,757,153, plus strand): 5'-ATCCTTTGGGGAATTTTTTCAACCTTTTCTTGAGGCACATGTCATAATGCAAGGCTGGGA[G>A]GAGGCATGATTTGGCAAGGACTGGAGAACTGGTTGGAACCAGACAAAAGCCTTCCTGTGC-3'

ClinVar aggregate classification (germline): Benign (1 of 4 stars; one submission).

Conditions:
Landau-Kleffner syndrome (FESD). Also called: EPILEPSY, FOCAL, WITH SPEECH DISORDER AND WITH OR WITHOUT MENTAL RETARDATION; APHASIA, ACQUIRED, WITH EPILEPSY. Identifiers: Orphanet 1945, Orphanet 725, Orphanet 98818, MedGen C0282512, MONDO:0009509, OMIM 245570.

Allele frequency attached by ClinVar (database versions not stated): 1000 Genomes Project 30x 0.00125; 1000 Genomes Project 0.00140; gnomAD 0.00027 and 0.00016; TOPMed 0.00036; gnomAD exomes 0.00099.
gnomAD v4.1: 103 of 218,346 alleles (0.047%); highest among the groups gnomAD compares: East Asian, 0.65%; no homozygotes.

Submission:

Illumina Laboratory Services, Illumina
Classification: Benign for Landau-Kleffner syndrome. Last evaluated: 2018-01-12. Review status: criteria provided, single submitter. Criteria: ICSL Variant Classification Criteria 13 December 2019. Collection method: clinical testing. Allele origin: germline.
Comment: This variant was observed in the ICSL laboratory as part of a predisposition screen in an ostensibly healthy population. It had not been previously curated by ICSL or reported in the Human Gene Mutation Database (HGMD: prior to June 1st, 2018), and was therefore a candidate for classification through an automated scoring system. Utilizing variant allele frequency, disease prevalence and penetrance estimates, and inheritance mode, an automated score was calculated to assess if this variant is too frequent to cause the disease. Based on the score and internal cut-off values, a variant classified as benign is not then subjected to further curation. The score for this variant resulted in a classification of benign for this disease.